The following is an entry in ClinVar:

NM_003285.3(TNR):c.2039T>C (p.Met680Thr)

Gene: TNR (tenascin R; minus strand). Cytogenetic location: 1q25.1.
Variant type: single nucleotide variant.
Coding change: c.2039T>C on transcript NM_003285.3 (MANE Select); coding-DNA position 2039, T replaced by C.
Protein change: p.Met680Thr; replaces methionine 680 with threonine.
Molecular consequence: missense variant.
Genome position (GRCh38, 1-based): chr1:175,367,222, A>G on the plus strand (T>C on the coding strand, the complement: TNR is on the minus strand). VCF-style: chr1-175367222-A-G. GRCh37 (hg19) VCF-style: chr1-175336358-A-G.
Other names: c.1040T>C, p.Met347Thr (NM_001328635.2); short protein forms M347T, M680T.
Identifiers: ClinVar variation 2501143 (VCV002501143.2), dbSNP rs199892230, ClinGen allele CA1255739.
Genomic context (GRCh38, chr1:175,367,222, plus strand): 5'-CTTATAGGCTAACCTGGTCTTCTTCCTCAGCAGTCCTCCTACTCACCAGTCCTGGCATTC[A>G]TGGTGGCTGGCACGCTTTGCTGTGAGTTCATGACGGCAGATATTCCAACTCCATACTCAG-3'
Protein context (NP_003276.3, residues 670-690): MNSQQSVPAT[Met680Thr]NARTELDSPR

ClinVar aggregate classification (germline): Uncertain significance. Review status: criteria provided, multiple submitters, no conflicts (2 of 4 stars). 2 submissions from 2 submitters: Uncertain significance (2). Last evaluated 2025-06-08.

Conditions:
Inborn genetic diseases. Identifiers: MedGen C0950123, MeSH D030342.

Allele frequency attached by ClinVar (database versions not stated): TOPMed 0.00005; gnomAD exomes 0.00010; gnomAD 0.00011; ExAC 0.00012.
gnomAD v4.1: 158 of 1,613,956 alleles (0.0098%); highest among the groups gnomAD compares: Non-Finnish European, 0.0073%; no homozygotes.

Submissions (2):

Ambry Genetics
Classification: Uncertain significance for Inborn genetic diseases. Last evaluated: 2025-06-08. Review status: criteria provided, single submitter. Criteria: Ambry Variant Classification Scheme 2023. Collection method: clinical testing. Allele origin: germline.

Women's Health and Genetics/Laboratory Corporation of America, LabCorp
Classification: Uncertain significance. Last evaluated: 2023-03-29. Review status: criteria provided, single submitter. Criteria: LabCorp Variant Classification Summary - May 2015. Collection method: clinical testing. Allele origin: germline.
Comment: Variant summary: TNR c.2039T>C (p.Met680Thr) results in a non-conservative amino acid change located in the Fibronectin type III domain (IPR003961) of the encoded protein sequence. Three of five in-silico tools predict a damaging effect of the variant on protein function. The variant allele was found at a frequency of 0.00014 in 251268 control chromosomes (gnomAD). To our knowledge, no occurrence of c.2039T>C in individuals affected with Neurodevelopmental Disorder, Nonprogressive, with Spasticity and Transient Opisthotonus, and no experimental evidence demonstrating its impact on protein function have been reported. No clinical diagnostic laboratories have submitted clinical-significance assessments for this variant to ClinVar after 2014. Based on the evidence outlined above, the variant was classified as uncertain significance.